The following is an entry in ClinVar:

NM_001903.5(CTNNA1):c.2011-9T>C

Gene: CTNNA1 (catenin alpha 1; plus strand). Cytogenetic location: 5q31.2.
Variant type: single nucleotide variant.
Coding change: c.2011-9T>C on transcript NM_001903.5 (MANE Select); 9 bases into the intron before coding-DNA position 2011, T replaced by C.
Molecular consequence: intron variant.
Genome position (GRCh38, 1-based): chr5:138,930,464, T>C. VCF-style: chr5-138930464-T-C. GRCh37 (hg19) VCF-style: chr5-138266153-T-C.
Other names: c.901-9T>C (NM_001323988.1, NM_001323997.1, NM_001323992.1 and 17 more transcripts); c.562-9T>C (NM_001324006.1, NM_001324008.1, NM_001324010.1 and 2 more transcripts); c.808-9T>C (NM_001324011.1); c.658-9T>C (NM_001324012.1, NM_001324013.1); c.2011-9T>C (NM_001323982.2, NM_001323984.2, NM_001290307.3 and 2 more transcripts); c.1918-9T>C (NM_001323986.2); c.1642-9T>C (NM_001290310.3); c.1702-9T>C (NM_001290309.3).
Identifiers: ClinVar variation 2705232 (VCV002705232.4), dbSNP rs2533846736, ClinGen allele CA2697546523.

ClinVar aggregate classification (germline): Likely benign. Review status: criteria provided, multiple submitters, no conflicts (2 of 4 stars). 2 submissions from 2 submitters: Likely benign (2). Last evaluated 2024-10-14.

Conditions:
Hereditary diffuse gastric adenocarcinoma (HDGC). Also called: DIFFUSE GASTRIC AND LOBULAR BREAST CANCER SYNDROME. Identifiers: Orphanet 26106, MedGen C1708349, MONDO:0007648, OMIM 137215.

Submissions (2):

Myriad Genetics, Inc.
Classification: Likely benign for Hereditary diffuse gastric adenocarcinoma. Last evaluated: 2024-10-14. Review status: criteria provided, single submitter. Criteria: Myriad Autosomal Dominant, Autosomal Recessive and X-Linked Classification Criteria (2023). Collection method: clinical testing. Allele origin: unknown.
Comment: This variant is considered likely benign. This variant is intronic and is not expected to impact mRNA splicing.

Labcorp Genetics (formerly Invitae), Labcorp
Classification: Likely benign. Last evaluated: 2024-01-10. Review status: criteria provided, single submitter. Criteria: Invitae Variant Classification Sherloc (09022015). Collection method: clinical testing. Allele origin: germline.